The following is an entry in ClinVar:

ClinVar aggregate classification (germline): Uncertain significance (1 of 4 stars; one submission).

gnomAD v4.1: 2 of 1,611,352 alleles (0.00012%); highest among the groups gnomAD compares: East Asian, 0.0045%; no homozygotes.

Submission:

Labcorp Genetics (formerly Invitae), Labcorp
Classification: Uncertain significance. Last evaluated: 2026-01-22. Review status: criteria provided, single submitter. Criteria: Invitae Variant Classification Sherloc (09022015). Collection method: clinical testing. Allele origin: germline.
Comment: This sequence change replaces aspartic acid, which is acidic and polar, with asparagine, which is neutral and polar, at codon 525 of the TFRC protein (p.Asp525Asn). This variant is not present in population databases (gnomAD no frequency). This variant has not been reported in the literature in individuals affected with TFRC-related conditions. Invitae Evidence Modeling of protein sequence and biophysical properties (such as structural, functional, and spatial information, amino acid conservation, physicochemical variation, residue mobility, and thermodynamic stability) indicates that this missense variant is not expected to disrupt TFRC protein function with a negative predictive value of 80%. In summary, the available evidence is currently insufficient to determine the role of this variant in disease. Therefore, it has been classified as a Variant of Uncertain Significance.

NM_001128148.3(TFRC):c.1573G>A (p.Asp525Asn)

Gene: TFRC (transferrin receptor; minus strand). Cytogenetic location: 3q29.
Variant type: single nucleotide variant.
Coding change: c.1573G>A on transcript NM_001128148.3 (MANE Select); coding-DNA position 1573, G replaced by A.
Protein change: p.Asp525Asn; replaces aspartic acid 525 with asparagine.
Molecular consequence: missense variant.
Genome position (GRCh38, 1-based): chr3:196,058,596, C>T on the plus strand (G>A on the coding strand, the complement: TFRC is on the minus strand). VCF-style: chr3-196058596-C-T. GRCh37 (hg19) VCF-style: chr3-195785467-C-T.
Other names: c.1330G>A, p.Asp444Asn (NM_001313965.2); c.727G>A, p.Asp243Asn (NM_001313966.2); c.1573G>A, p.Asp525Asn (NM_003234.4); short protein forms D243N, D444N, D525N.
Identifiers: ClinVar variation 4798264 (VCV004798264.1).
Genomic context (GRCh38, chr3:196,058,596, plus strand): 5'-TTTTCTATTAGTTTGTTCATTCACTTTTCTCAACTTACACTTTGCTGGCCCAGTTGCTGT[C>T]CTGATATAGAAATTGCCCAGTAACCGGATGCTTCACCTGTAAGATAAGAAATTATCATTA-3'
Protein context (NP_001121620.1, residues 515-535): HPVTGQFLYQ[Asp525Asn]SNWASKVEKL